The following is an entry in ClinVar:

ClinVar aggregate classification (germline): Pathogenic. Review status: criteria provided, multiple submitters, no conflicts (2 of 4 stars). 2 submissions from 2 submitters: Pathogenic (2). Last evaluated 2024-02-24.

Conditions:
Autosomal recessive nonsyndromic hearing loss 77. Identifiers: Orphanet 90636, MedGen C2746083, MONDO:0013119, OMIM 613079.

Submissions (2):

Myriad Genetics, Inc.
Classification: Pathogenic for Autosomal recessive nonsyndromic hearing loss 77. Last evaluated: 2024-02-24. Review status: criteria provided, single submitter. Criteria: Myriad Autosomal Dominant, Autosomal Recessive and X-Linked Classification Criteria (2023). Collection method: clinical testing. Allele origin: unknown.
Comment: NM_144612.6(LOXHD1):c.4611C>A(C1537*) is expected to be pathogenic in the context of nonsyndromic hearing loss, LOXHD1-related. This variant is predicted to lead to an abnormal or absent protein product due to the creation of a premature termination codon in LOXHD1, a gene where loss-of-function variants are known to be pathogenic. Please note: this variant was assessed in the context of healthy population screening.

Labcorp Genetics (formerly Invitae), Labcorp
Classification: Pathogenic. Last evaluated: 2023-12-29. Review status: criteria provided, single submitter. Criteria: Invitae Variant Classification Sherloc (09022015). Collection method: clinical testing. Allele origin: germline.
Comment: This sequence change creates a premature translational stop signal (p.Cys1537*) in the LOXHD1 gene. It is expected to result in an absent or disrupted protein product. Loss-of-function variants in LOXHD1 are known to be pathogenic (PMID: 19732867, 21465660, 25792669). This variant is not present in population databases (gnomAD no frequency). This variant has not been reported in the literature in individuals affected with LOXHD1-related conditions. ClinVar contains an entry for this variant (Variation ID: 2134033). For these reasons, this variant has been classified as Pathogenic.

Literature cited by the submitters: PubMed 19732867 (cited by Labcorp Genetics (formerly Invitae), Labcorp); PubMed 21465660 (cited by Labcorp Genetics (formerly Invitae), Labcorp); PubMed 25792669 (cited by Labcorp Genetics (formerly Invitae), Labcorp).

NM_001384474.1(LOXHD1):c.4611C>A (p.Cys1537Ter)

Gene: LOXHD1 (lipoxygenase homology PLAT domains 1; minus strand). Cytogenetic location: 18q21.1.
Variant type: single nucleotide variant.
Coding change: c.4611C>A on transcript NM_001384474.1 (MANE Select); coding-DNA position 4611, C replaced by A.
Protein change: p.Cys1537Ter; replaces cysteine 1537 with a stop codon.
Molecular consequence: nonsense.
Genome position (GRCh38, 1-based): chr18:46,524,837, G>T on the plus strand (C>A on the coding strand, the complement: LOXHD1 is on the minus strand). VCF-style: chr18-46524837-G-T. GRCh37 (hg19) VCF-style: chr18-44104800-G-T.
Other names: c.1278C>A, p.Cys426Ter (NM_001145472.3); c.990C>A, p.Cys330Ter (NM_001308013.2); c.4611C>A, p.Cys1537Ter (NM_144612.7); short protein forms C330*, C426*, C1537*.
Identifiers: ClinVar variation 2134033 (VCV002134033.5), dbSNP rs189561302, ClinGen allele CA402373405.